The following is an entry in ClinVar:

ClinVar aggregate classification (germline): Likely benign. Review status: criteria provided, multiple submitters, no conflicts (2 of 4 stars). 2 submissions from 2 submitters: Likely benign (2). Last evaluated 2024-10-28.

Conditions:
Fanconi anemia complementation group J. Also called: BRIP1-Related Fanconi Anemia. Identifiers: Orphanet 84, MedGen C1836860, MONDO:0012187, OMIM 609054.
Familial cancer of breast. Also called: hereditary breast carcinoma; BREAST CANCER, FAMILIAL; Hereditary breast cancer. Identifiers: Orphanet 227535, MedGen C0346153, MONDO:0016419, OMIM 114480. Disease mechanism: loss of function.

Submissions (2):

Labcorp Genetics (formerly Invitae), Labcorp
Classification: Likely benign for Familial cancer of breast; Fanconi anemia complementation group J. Last evaluated: 2024-10-28. Review status: criteria provided, single submitter. Criteria: Invitae Variant Classification Sherloc (09022015). Collection method: clinical testing. Allele origin: germline.

Myriad Genetics, Inc.
Classification: Likely benign for Familial cancer of breast. Last evaluated: 2024-08-09. Review status: criteria provided, single submitter. Criteria: Myriad Autosomal Dominant, Autosomal Recessive and X-Linked Classification Criteria (2023). Collection method: clinical testing. Allele origin: unknown.
Comment: This variant is considered likely benign. This variant is intronic and is not expected to impact mRNA splicing.

NM_032043.3(BRIP1):c.93+8T>C

Gene: BRIP1 (BRCA1 interacting DNA helicase 1; minus strand). Cytogenetic location: 17q23.2.
Variant type: single nucleotide variant.
Coding change: c.93+8T>C on transcript NM_032043.3 (MANE Select); 8 bases into the intron after coding-DNA position 93, T replaced by C.
Molecular consequence: intron variant.
Genome position (GRCh38, 1-based): chr17:61,861,439, A>G on the plus strand (T>C on the coding strand, the complement: BRIP1 is on the minus strand). VCF-style: chr17-61861439-A-G. GRCh37 (hg19) VCF-style: chr17-59938800-A-G.
Identifiers: ClinVar variation 3378766 (VCV003378766.3).
Genomic context (GRCh38, chr17:61,861,439, plus strand): 5'-CTCAATGTACTTTATGGGTCATAAGTATCTATATCTTAATAAAAACTTAACTGCTGAAAA[A>G]TACTTACAGAATTCATCATAGCAAGCTGTGACGGGTAAGCTTTATAAGGAAAGTAAATCT-3'